The following is an entry in ClinVar:

NM_001927.4(DES):c.229A>G (p.Thr77Ala)

Gene: DES (desmin; plus strand). Cytogenetic location: 2q35.
Variant type: single nucleotide variant.
Coding change: c.229A>G on transcript NM_001927.4 (MANE Select); coding-DNA position 229, A replaced by G.
Protein change: p.Thr77Ala; replaces threonine 77 with alanine.
Molecular consequence: missense variant.
Genome position (GRCh38, 1-based): chr2:219,418,691, A>G. VCF-style: chr2-219418691-A-G. GRCh37 (hg19) VCF-style: chr2-220283413-A-G.
Other names: short protein forms T77A.
Identifiers: ClinVar variation 498618 (VCV000498618.22), dbSNP rs769034192, ClinGen allele CA2125045.

ClinVar aggregate classification (germline): Conflicting classifications of pathogenicity. Review status: criteria provided, conflicting classifications (1 of 4 stars). 8 submissions from 8 submitters: Uncertain significance (7); Likely benign (1). Last evaluated 2026-09-01.

Conditions:
Cardiovascular phenotype. Identifiers: MedGen CN230736.
Desmin-related myofibrillar myopathy (MFM1). Also called: Desminopathy; MYOFIBRILLAR MYOPATHY WITH ARRHYTHMOGENIC RIGHT VENTRICULAR CARDIOMYOPATHY; DESMIN-RELATED MYOPATHY WITH ARRHYTHMOGENIC RIGHT VENTRICULAR CARDIOMYOPATHY; Myofibrillar myopathy 1; Desmin related myopathy (former name); Desmin storage myopathy (former name). Identifiers: Orphanet 363543, Orphanet 98909, MedGen C1832370, MONDO:0011076, OMIM 601419.
Dilated cardiomyopathy 1I (CMD1I). Identifiers: Orphanet 154, MedGen C1858154, MONDO:0011482, OMIM 604765.
Neurogenic scapuloperoneal syndrome, Kaeser type (SCPNK). Also called: KAESER SYNDROME. Identifiers: Orphanet 85146, MedGen C1867005, MONDO:0008407, OMIM 181400.

Allele frequency attached by ClinVar (database versions not stated): gnomAD 0.00003; gnomAD exomes 0.00005 and 0.00013; TOPMed 0.00007; ExAC 0.00010.
gnomAD v4.1: 30 of 1,570,710 alleles (0.0019%); highest among the groups gnomAD compares: Admixed American, 0.057%; no homozygotes.

Submissions (8):

CeGaT Center for Human Genetics Tuebingen
Classification: Uncertain significance. Last evaluated: 2026-09-01. Review status: criteria provided, single submitter. Criteria: CeGaT Center For Human Genetics Tuebingen Variant Classification Criteria Version 2. Collection method: clinical testing. Allele origin: germline. Affected: yes. Observed: 1 variant allele.

Labcorp Genetics (formerly Invitae), Labcorp
Classification: Uncertain significance for Desmin-related myofibrillar myopathy. Last evaluated: 2026-01-22. Review status: criteria provided, single submitter. Criteria: Invitae Variant Classification Sherloc (09022015). Collection method: clinical testing. Allele origin: germline.
Comment: This sequence change replaces threonine, which is neutral and polar, with alanine, which is neutral and non-polar, at codon 77 of the DES protein (p.Thr77Ala). This variant is present in population databases (rs769034192, gnomAD 0.09%). This variant has not been reported in the literature in individuals affected with DES-related conditions. ClinVar contains an entry for this variant (Variation ID: 498618). Invitae Evidence Modeling of protein sequence and biophysical properties (such as structural, functional, and spatial information, amino acid conservation, physicochemical variation, residue mobility, and thermodynamic stability) indicates that this missense variant is not expected to disrupt DES protein function with a negative predictive value of 80%. In summary, the available evidence is currently insufficient to determine the role of this variant in disease. Therefore, it has been classified as a Variant of Uncertain Significance.

Women's Health and Genetics/Laboratory Corporation of America, LabCorp
Classification: Uncertain significance. Last evaluated: 2024-10-07. Review status: criteria provided, single submitter. Criteria: LabCorp Variant Classification Summary - May 2015. Collection method: clinical testing. Allele origin: germline.
Comment: Variant summary: DES c.229A>G (p.Thr77Ala) results in a non-conservative amino acid change located in the Intermediate filament head, DNA-binding domain (IPR006821) of the encoded protein sequence. Four of five in-silico tools predict a benign effect of the variant on protein function. The variant allele was found at a frequency of 0.00013 in 176604 control chromosomes. This frequency is not significantly higher than estimated for a pathogenic variant in DES causing Autosomal Recessive Desminopathy (0.00013 vs 0.0025), allowing no conclusion about variant significance. To our knowledge, no occurrence of c.229A>G in individuals affected with Autosomal Recessive Desminopathy or other DES-related conditions and no experimental evidence demonstrating its impact on protein function have been reported. ClinVar contains an entry for this variant (Variation ID: 498618). Based on the evidence outlined above, the variant was classified as uncertain significance.

GeneDx
Classification: Uncertain significance. Last evaluated: 2024-05-08. Review status: criteria provided, single submitter. Criteria: GeneDx Variant Classification Process June 2021. Collection method: clinical testing. Allele origin: germline. Affected: yes.
Comment: In silico analysis supports that this missense variant does not alter protein structure/function; Has not been previously published as pathogenic or benign to our knowledge; This variant is associated with the following publications: (PMID: 26807690)

Revvity Omics, Revvity
Classification: Uncertain significance. Last evaluated: 2024-03-25. Review status: criteria provided, single submitter. Criteria: ACMG Guidelines, 2015. Collection method: clinical testing. Allele origin: germline.

Ambry Genetics
Classification: Likely benign for Cardiovascular phenotype. Last evaluated: 2022-10-20. Review status: criteria provided, single submitter. Criteria: Ambry Variant Classification Scheme 2023. Collection method: clinical testing. Allele origin: germline.

Fulgent Genetics
Classification: Uncertain significance for Neurogenic scapuloperoneal syndrome, Kaeser type; Desmin-related myofibrillar myopathy; Dilated cardiomyopathy 1I. Last evaluated: 2021-08-31. Review status: criteria provided, single submitter. Criteria: ACMG Guidelines, 2015. Collection method: clinical testing. Allele origin: unknown.

Eurofins Ntd Llc (ga)
Classification: Uncertain significance. Last evaluated: 2016-12-04. Review status: criteria provided, single submitter. Criteria: EGL Classification Definitions 2015. Collection method: clinical testing. Allele origin: germline. Observed: 1 variant allele, 1 heterozygote.